The following is an entry in ClinVar:

NM_033028.5(BBS4):c.19G>C (p.Ala7Pro)

Gene: BBS4 (Bardet-Biedl syndrome 4; plus strand). Cytogenetic location: 15q24.1.
Variant type: single nucleotide variant.
Coding change: c.19G>C on transcript NM_033028.5 (MANE Select); coding-DNA position 19, G replaced by C.
Protein change: p.Ala7Pro; replaces alanine 7 with proline.
Molecular consequence: missense variant. On other transcripts: 5 prime UTR variant (1), non-coding transcript variant (2).
Genome position (GRCh38, 1-based): chr15:72,686,246, G>C. VCF-style: chr15-72686246-G-C. GRCh37 (hg19) VCF-style: chr15-72978587-G-C.
Other names: c.-451G>C (NM_001252678.2); c.19G>C, p.Ala7Pro (NM_001320665.2); short protein forms A7P.
Identifiers: ClinVar variation 1064306 (VCV001064306.6), dbSNP rs2064831111, ClinGen allele CA393075057.

ClinVar aggregate classification (germline): Uncertain significance (1 of 4 stars; one submission).

Conditions:
Bardet-Biedl syndrome (BBS). Identifiers: Orphanet 110, MedGen C0752166, MONDO:0015229.

gnomAD v4.1: 4 of 1,564,876 alleles (0.00026%); highest among the groups gnomAD compares: Non-Finnish European, 0.00035%; no homozygotes.

Submission:

Labcorp Genetics (formerly Invitae), Labcorp
Classification: Uncertain significance for Bardet-Biedl syndrome. Last evaluated: 2022-10-17. Review status: criteria provided, single submitter. Criteria: Invitae Variant Classification Sherloc (09022015). Collection method: clinical testing. Allele origin: germline.
Comment: This sequence change replaces alanine, which is neutral and non-polar, with proline, which is neutral and non-polar, at codon 7 of the BBS4 protein (p.Ala7Pro). This variant is not present in population databases (gnomAD no frequency). This variant has not been reported in the literature in individuals affected with BBS4-related conditions. ClinVar contains an entry for this variant (Variation ID: 1064306). Algorithms developed to predict the effect of missense changes on protein structure and function (SIFT, PolyPhen-2, Align-GVGD) all suggest that this variant is likely to be tolerated. In summary, the available evidence is currently insufficient to determine the role of this variant in disease. Therefore, it has been classified as a Variant of Uncertain Significance.